The following is an entry in ClinVar:

NM_006662.3(SRCAP):c.7474C>G (p.Pro2492Ala)

Gene: SRCAP (Snf2 related CREBBP activator protein; plus strand). Cytogenetic location: 16p11.2.
Variant type: single nucleotide variant.
Coding change: c.7474C>G on transcript NM_006662.3 (MANE Select); coding-DNA position 7474, C replaced by G.
Protein change: p.Pro2492Ala; replaces proline 2492 with alanine.
Molecular consequence: missense variant.
Genome position (GRCh38, 1-based): chr16:30,737,514, C>G. VCF-style: chr16-30737514-C-G. GRCh37 (hg19) VCF-style: chr16-30748835-C-G.
Other names: short protein forms P2492A.
Identifiers: ClinVar variation 4885957 (VCV004885957.2).

ClinVar aggregate classification (germline): Uncertain significance (1 of 4 stars; one submission).

Submission:

Dasa
Classification: Uncertain significance. Last evaluated: 2026-04-27. Review status: criteria provided, single submitter. Criteria: DASA Assertion Criteria. Collection method: clinical testing. Allele origin: germline.
Comment: NM_006662.3(SRCAP):c.7474C>G (p.Pro2492Ala) is a missense variant that results in the substitution of proline with alanine. This variant is rare in population databases. The currently available literature and clinical evidence are not sufficient to establish a definitive association between this variant and the reported condition. Therefore, this variant is classified as a variant of uncertain significance.